The following is an entry in ClinVar:

NM_178857.6(RP1L1):c.2791G>C (p.Gly931Arg)

Gene: RP1L1 (RP1 like 1). Cytogenetic location: 8p23.1.
Variant type: single nucleotide variant.
Coding change: c.2791G>C on transcript NM_178857.6 (MANE Select); coding-DNA position 2791, G replaced by C.
Protein change: p.Gly931Arg; replaces glycine 931 with arginine.
Molecular consequence: missense variant.
Genome position (GRCh38, 1-based): chr8:10,611,307, C>G on the plus strand (G>C on the coding strand, the complement: RP1L1 is on the minus strand). VCF-style: chr8-10611307-C-G. GRCh37 (hg19) VCF-style: chr8-10468817-C-G.
Other names: short protein forms G931R.
Identifiers: ClinVar variation 361333 (VCV000361333.11), dbSNP rs200981366, ClinGen allele CA4624704.

ClinVar aggregate classification (germline): Conflicting classifications of pathogenicity. Review status: criteria provided, conflicting classifications (1 of 4 stars). 4 submissions from 4 submitters: Uncertain significance (1); Benign (1); Likely benign (1). 1 of the submissions does not count toward it. Last evaluated 2025-07-02.

Conditions:
RP1L1-related disorder. Also called: RP1L1-related condition.
Occult macular dystrophy (OCMD). Also called: OMD; OCCULT MACULAR DYSTROPHY, SUSCEPTIBILITY TO. Identifiers: Orphanet 247834, MedGen C3150833, MONDO:0013316, OMIM 613587, HP:0030636.
Inborn genetic diseases. Identifiers: MedGen C0950123, MeSH D030342.

Allele frequency attached by ClinVar (database versions not stated): gnomAD 0.00006; TOPMed 0.00017.

Submissions (4):

Ambry Genetics
Classification: Uncertain significance for Inborn genetic diseases. Last evaluated: 2025-07-02. Review status: criteria provided, single submitter. Criteria: Ambry Variant Classification Scheme 2023. Collection method: clinical testing. Allele origin: germline.

Blueprint Genetics
Classification: Likely benign. Last evaluated: 2024-10-07. Review status: criteria provided, single submitter. Criteria: ACMG Guidelines, 2015. Collection method: clinical testing. Allele origin: germline.

Illumina Laboratory Services, Illumina
Classification: Benign for Occult macular dystrophy. Last evaluated: 2018-01-12. Review status: criteria provided, single submitter. Criteria: ICSL Variant Classification Criteria 13 December 2019. Collection method: clinical testing. Allele origin: germline.
Comment: This variant was observed in the ICSL laboratory as part of a predisposition screen in an ostensibly healthy population. It had not been previously curated by ICSL or reported in the Human Gene Mutation Database (HGMD: prior to June 1st, 2018), and was therefore a candidate for classification through an automated scoring system. Utilizing variant allele frequency, disease prevalence and penetrance estimates, and inheritance mode, an automated score was calculated to assess if this variant is too frequent to cause the disease. Based on the score and internal cut-off values, a variant classified as benign is not then subjected to further curation. The score for this variant resulted in a classification of benign for this disease.

PreventionGenetics, part of Exact Sciences
Classification: Benign for RP1L1-related condition. Last evaluated: 2019-09-19. Review status: no assertion criteria provided. Collection method: clinical testing. Allele origin: germline. Not counted in ClinVar's aggregate classification.
Comment: This variant is classified as benign based on ACMG/AMP sequence variant interpretation guidelines (Richards et al. 2015 PMID: 25741868, with internal and published modifications).